The following is an entry in ClinVar:

NM_004415.4(DSP):c.1382T>C (p.Ile461Thr)

Gene: DSP (desmoplakin; plus strand). Cytogenetic location: 6p24.3.
Variant type: single nucleotide variant.
Coding change: c.1382T>C on transcript NM_004415.4 (MANE Select); coding-DNA position 1382, T replaced by C.
Protein change: p.Ile461Thr; replaces isoleucine 461 with threonine.
Molecular consequence: missense variant.
Genome position (GRCh38, 1-based): chr6:7,568,552, T>C. VCF-style: chr6-7568552-T-C. GRCh37 (hg19) VCF-style: chr6-7568785-T-C.
Other names: c.1382T>C (LRG_423t1); c.1382T>C, p.Ile461Thr (NM_001008844.3, NM_001319034.2); short protein forms I461T.
Identifiers: ClinVar variation 534293 (VCV000534293.12), dbSNP rs1554106853, ClinGen allele CA362676645.
Genomic context (GRCh38, chr6:7,568,552, plus strand): 5'-AGTCTAAGAAGATTGTACAGCTGAAGCCTCGTAACCCAGACTACAGAAGCAATAAACCCA[T>C]TATTCTCAGAGCTCTCTGTGACTACAAACAAGATCAGGTGTGTACTCATTTAGAATGATA-3'
Protein context (NP_004406.2, residues 451-471): RNPDYRSNKP[Ile461Thr]ILRALCDYKQ

ClinVar aggregate classification (germline): Uncertain significance. Review status: criteria provided, multiple submitters, no conflicts (2 of 4 stars). 2 submissions from 2 submitters: Uncertain significance (2). Last evaluated 2021-06-01.

Conditions:
Arrhythmogenic cardiomyopathy with wooly hair and keratoderma. Also called: PALMOPLANTAR KERATODERMA WITH LEFT VENTRICULAR CARDIOMYOPATHY AND WOOLLY HAIR; Carvajal syndrome; Dilated cardiomyopathy with woolly hair and keratoderma; Arrhythmogenic cardiomyopathy with woolly hair and keratoderma. Identifiers: Orphanet 65282, MedGen C1854063, MONDO:0011581, OMIM 605676.
Arrhythmogenic right ventricular dysplasia 8 (ARVD8). Also called: Arrhythmogenic Right Ventricular Dysplasia/Cardiomyopathy 8; ARRHYTHMOGENIC RIGHT VENTRICULAR DYSPLASIA, FAMILIAL, 8; ARRHYTHMOGENIC RIGHT VENTRICULAR CARDIOMYOPATHY 8. Identifiers: MedGen C1843896, MONDO:0011831, OMIM 607450.

Allele frequency attached by ClinVar (database versions not stated): gnomAD exomes below 0.00001.
gnomAD v4.1: 1 of 1,614,044 alleles (0.000062%); highest among the groups gnomAD compares: Non-Finnish European, 0.000085%; no homozygotes.

Submissions (2):

Labcorp Genetics (formerly Invitae), Labcorp
Classification: Uncertain significance for Arrhythmogenic cardiomyopathy with wooly hair and keratoderma; Arrhythmogenic right ventricular dysplasia 8. Last evaluated: 2021-06-01. Review status: criteria provided, single submitter. Criteria: Invitae Variant Classification Sherloc (09022015). Collection method: clinical testing. Allele origin: germline.
Comment: In summary, the available evidence is currently insufficient to determine the role of this variant in disease. Therefore, it has been classified as a Variant of Uncertain Significance. Algorithms developed to predict the effect of missense changes on protein structure and function do not agree on the potential impact of this missense change (SIFT: "Deleterious"; PolyPhen-2: "Probably Damaging"; Align-GVGD: "Class C0"). This variant has not been reported in the literature in individuals with DSP-related disease. This variant is not present in population databases (ExAC no frequency). This sequence change replaces isoleucine with threonine at codon 461 of the DSP protein (p.Ile461Thr). The isoleucine residue is highly conserved and there is a moderate physicochemical difference between isoleucine and threonine.

Illumina Laboratory Services, Illumina
Classification: Uncertain significance for Arrhythmogenic right ventricular dysplasia 8. Last evaluated: 2019-03-20. Review status: criteria provided, single submitter. Criteria: ICSLVariantClassificationCriteria RUGD 01 April 2020. Collection method: clinical testing. Allele origin: unknown.
Comment: The DSP c.1382T>C (p.Ile461Thr) missense variant is located in the SH3 desmosome binding domain. A literature search was performed for the gene, cDNA, and amino acid change. No publications were found based on this search. This variant is not found in the Genome Aggregation Database in a region of good sequencing coverage, so the variant is presumed to be rare. Based on the limited evidence, the p.Ile461Thr variant is classified as a variant of uncertain significance for arrhythmogenic right ventricular cardiomyopathy.